The following is an entry in ClinVar:

NM_007294.4(BRCA1):c.-20+10T>C

Genes: BRCA1 (BRCA1 DNA repair associated; minus strand), LOC111589215 (BRCA1 promoter region; plus strand). Cytogenetic location: 17q21.31.
Variant type: single nucleotide variant.
Coding change: c.-20+10T>C on transcript NM_007294.4 (MANE Select); 10 bases into the intron after 20 bases upstream of the start codon, T replaced by C.
Molecular consequence: intron variant. On other transcripts: 5 prime UTR variant (96).
Genome position (GRCh38, 1-based): chr17:43,125,261, A>G on the plus strand (T>C on the coding strand, the complement: BRCA1 is on the minus strand). VCF-style: chr17-43125261-A-G. GRCh37 (hg19) VCF-style: chr17-41277278-A-G.
Other names: c.-287T>C (NM_001407571.1, NM_001407879.1, NM_001407907.1 and 4 more transcripts); c.-99T>C (NM_001407582.1, NM_001407597.1, NM_001407612.1 and 20 more transcripts); c.-544T>C (NM_001407583.1, NM_001407591.1, NM_001407594.1 and 32 more transcripts); c.-1165T>C (NM_001407593.1, NM_001407610.1, NM_001407621.1 and 6 more transcripts); c.-531T>C (NM_001407605.1, NM_001407623.1); c.-830T>C (NM_001407697.1); c.-801T>C (NM_001407724.1); c.-808T>C (NM_001407741.1); and 55 more.
Identifiers: ClinVar variation 2865336 (VCV002865336.3), dbSNP rs2154579975, ClinGen allele CA2638066347.

ClinVar aggregate classification (germline): Uncertain significance (1 of 4 stars; one submission).

Conditions:
Hereditary breast ovarian cancer syndrome. Also called: Hereditary breast and ovarian cancer syndrome; Hereditary breast and/or ovarian cancer syndrome; BRCA1- and BRCA2-Associated Hereditary Breast and Ovarian Cancer; Hereditary breast and ovarian cancer syndrome (HBOC); Hereditary breast and ovarian cancer; Breast and ovarian cancer. Identifiers: Orphanet 145, MedGen C0677776, MeSH D061325, MONDO:0003582. Disease mechanism: loss of function.

Submission:

Labcorp Genetics (formerly Invitae), Labcorp
Classification: Uncertain significance for Hereditary breast ovarian cancer syndrome. Last evaluated: 2023-05-18. Review status: criteria provided, single submitter. Criteria: Invitae Variant Classification Sherloc (09022015). Collection method: clinical testing. Allele origin: germline.
Comment: In summary, the available evidence is currently insufficient to determine the role of this variant in disease. Therefore, it has been classified as a Variant of Uncertain Significance. Algorithms developed to predict the effect of sequence changes on RNA splicing suggest that this variant is not likely to affect RNA splicing. This variant has not been reported in the literature in individuals affected with BRCA1-related conditions. This variant is not present in population databases (gnomAD no frequency). This variant occurs in a non-coding region of the BRCA1 gene. It does not change the encoded amino acid sequence of the BRCA1 protein.